The following is an entry in ClinVar:

NM_004153.4(ORC1):c.84C>T (p.Tyr28=)

Gene: ORC1 (origin recognition complex subunit 1; minus strand). Cytogenetic location: 1p32.3.
Variant type: single nucleotide variant.
Coding change: c.84C>T on transcript NM_004153.4 (MANE Select); coding-DNA position 84, C replaced by T.
Protein change: p.Tyr28=; no amino-acid change (tyrosine 28 retained).
Molecular consequence: synonymous variant.
Genome position (GRCh38, 1-based): chr1:52,402,140, G>A on the plus strand (C>T on the coding strand, the complement: ORC1 is on the minus strand). VCF-style: chr1-52402140-G-A. GRCh37 (hg19) VCF-style: chr1-52867812-G-A.
Other names: c.84C>T (NM_004153.3); c.84C>T, p.Tyr28= (NM_001190818.2, NM_001190819.2).
Identifiers: ClinVar variation 2970231 (VCV002970231.5), dbSNP rs970589988, ClinGen allele CA22527595.

ClinVar aggregate classification (germline): Likely benign. Review status: criteria provided, single submitter (1 of 4 stars). 2 submissions from 2 submitters: Likely benign (1). 1 of the submissions does not count toward it. Last evaluated 2025-01-06.

Conditions:
ORC1-related disorder. Also called: ORC1-related condition.

Allele frequency attached by ClinVar (database versions not stated): TOPMed below 0.00001; gnomAD 0.00001; gnomAD exomes 0.00001.
gnomAD v4.1: 10 of 1,613,372 alleles (0.00062%); highest among the groups gnomAD compares: Middle Eastern, 0.033%; no homozygotes.

Submissions (2):

Labcorp Genetics (formerly Invitae), Labcorp
Classification: Likely benign. Last evaluated: 2025-01-06. Review status: criteria provided, single submitter. Criteria: Invitae Variant Classification Sherloc (09022015). Collection method: clinical testing. Allele origin: germline.

PreventionGenetics, part of Exact Sciences
Classification: Likely benign for ORC1-related condition. Last evaluated: 2019-04-09. Review status: no assertion criteria provided. Collection method: clinical testing. Allele origin: germline. Not counted in ClinVar's aggregate classification.
Comment: This variant is classified as likely benign based on ACMG/AMP sequence variant interpretation guidelines (Richards et al. 2015 PMID: 25741868, with internal and published modifications).